The following is an entry in ClinVar:

ClinVar aggregate classification (germline): Uncertain significance (1 of 4 stars; one submission).

Conditions:
Developmental and epileptic encephalopathy, 11 (DEE11). Also called: Early infantile epileptic encephalopathy 11. Identifiers: Orphanet 1934, MedGen C3150987, MONDO:0013388, OMIM 613721.
Seizures, benign familial infantile, 3 (BFIS3). Also called: CONVULSIONS, BENIGN FAMILIAL INFANTILE, 3; Familial neonatal seizures. Identifiers: Orphanet 140927, Orphanet 306, MedGen C1843140, MONDO:0011904, OMIM 607745.

Submission:

Labcorp Genetics (formerly Invitae), Labcorp
Classification: Uncertain significance for Seizures, benign familial infantile, 3; Developmental and epileptic encephalopathy, 11. Last evaluated: 2018-04-12. Review status: criteria provided, single submitter. Criteria: Invitae Variant Classification Sherloc (09022015). Collection method: clinical testing. Allele origin: germline.
Comment: This variant has not been reported in the literature in individuals with SCN2A-related disease. This variant is not present in population databases (ExAC no frequency). This sequence change replaces aspartic acid with glutamic acid at codon 995 of the SCN2A protein (p.Asp995Glu). The aspartic acid residue is highly conserved and there is a small physicochemical difference between aspartic acid and glutamic acid. Algorithms developed to predict the effect of missense changes on protein structure and function (SIFT, PolyPhen-2, Align-GVGD) all suggest that this variant is likely to be tolerated, but these predictions have not been confirmed by published functional studies and their clinical significance is uncertain. In summary, the available evidence is currently insufficient to determine the role of this variant in disease. Therefore, it has been classified as a Variant of Uncertain Significance. Algorithms developed to predict the effect of sequence changes on RNA splicing suggest that this variant may create or strengthen a splice site, but this prediction has not been confirmed by published transcriptional studies.

NM_001040142.2(SCN2A):c.2985T>A (p.Asp995Glu)

Gene: SCN2A (sodium voltage-gated channel alpha subunit 2; plus strand). Cytogenetic location: 2q24.3.
Variant type: single nucleotide variant.
Coding change: c.2985T>A on transcript NM_001040142.2 (MANE Select); coding-DNA position 2985, T replaced by A.
Protein change: p.Asp995Glu; replaces aspartic acid 995 with glutamic acid.
Molecular consequence: missense variant.
Genome position (GRCh38, 1-based): chr2:165,354,257, T>A. VCF-style: chr2-165354257-T-A. GRCh37 (hg19) VCF-style: chr2-166210767-T-A.
Other names: c.2985T>A, p.Asp995Glu (NM_001040143.2, NM_001371246.1, NM_001371247.1 and 1 more transcripts); short protein forms D995E.
Identifiers: ClinVar variation 575887 (VCV000575887.9), dbSNP rs1336113495, ClinGen allele CA349019565.